The following is an entry in ClinVar:

NM_000059.4(BRCA2):c.10082A>C (p.Gln3361Pro)

Gene: BRCA2 (BRCA2 DNA repair associated; plus strand). Cytogenetic location: 13q13.1.
Variant type: single nucleotide variant.
Coding change: c.10082A>C on transcript NM_000059.4 (MANE Select); coding-DNA position 10082, A replaced by C.
Protein change: p.Gln3361Pro; replaces glutamine 3361 with proline.
Molecular consequence: missense variant.
Genome position (GRCh38, 1-based): chr13:32,398,595, A>C. VCF-style: chr13-32398595-A-C. GRCh37 (hg19) VCF-style: chr13-32972732-A-C.
Other names: short protein forms Q3361P.
Identifiers: ClinVar variation 418092 (VCV000418092.27), dbSNP rs751250810, ClinGen allele CA6941471.

ClinVar aggregate classification (germline): Conflicting classifications of pathogenicity. Review status: criteria provided, conflicting classifications (1 of 4 stars). 10 submissions from 10 submitters: Uncertain significance (3); Likely benign (5). 2 of the submissions do not count toward it. Last evaluated 2025-12-22.

Conditions:
Hereditary cancer-predisposing syndrome. Also called: Tumor predisposition; Neoplastic Syndromes, Hereditary; Hereditary Cancer Syndrome; Hereditary neoplastic syndrome. Identifiers: Orphanet 140162, MedGen C0027672, MeSH D009386, MONDO:0015356.
Hereditary breast ovarian cancer syndrome. Also called: Hereditary breast and ovarian cancer; Hereditary breast and ovarian cancer syndrome (HBOC); Hereditary breast and/or ovarian cancer syndrome; Breast and ovarian cancer; Hereditary breast and ovarian cancer syndrome; BRCA1- and BRCA2-Associated Hereditary Breast and Ovarian Cancer. Identifiers: Orphanet 145, MedGen C0677776, MeSH D061325, MONDO:0003582. Disease mechanism: loss of function.
Breast-ovarian cancer, familial, susceptibility to, 2 (BROVCA2). Also called: BRCA2 Hereditary Breast and Ovarian Cancer. Identifiers: Orphanet 145, MedGen C2675520, MONDO:0012933, OMIM 612555. Disease mechanism: loss of function.
Malignant tumor of breast. Also called: Malignant breast neoplasm; Cancer breast. Identifiers: MedGen C0006142, MONDO:0007254. Disease mechanism: loss of function.

Allele frequency attached by ClinVar (database versions not stated): gnomAD below 0.00001 and 0.00003; gnomAD exomes 0.00002 and 0.00004; ExAC 0.00007; 1000 Genomes Project 30x 0.00016.
gnomAD v4.1: 27 of 1,614,080 alleles (0.0017%); highest among the groups gnomAD compares: South Asian, 0.029%; 1 homozygote.

Submissions (10):

Labcorp Genetics (formerly Invitae), Labcorp
Classification: Likely benign for Hereditary breast ovarian cancer syndrome. Last evaluated: 2025-12-22. Review status: criteria provided, single submitter. Criteria: Invitae Variant Classification Sherloc (09022015). Collection method: clinical testing. Allele origin: germline.

Quest Diagnostics Nichols Institute San Juan Capistrano
Classification: Uncertain significance. Last evaluated: 2024-05-19. Review status: criteria provided, single submitter. Criteria: Quest Diagnostics criteria. Collection method: clinical testing. Allele origin: unknown.
Comment: The BRCA2 c.10082A>C (p.Gln3361Pro) variant has been reported in the published literature in an individual with breast cancer and a reportedly healthy individual (PMID: 33471991 (2021), see also LOVD. The frequency of this variant in the general population, 0.00029 (9/30606 chromosomes (Genome Aggregation Database)), is uninformative in the assessment of its pathogenicity. Analysis of this variant using bioinformatics tools for the prediction of the effect of amino acid changes on protein structure and function yielded predictions that this variant is benign. Based on the available information, we are unable to determine the clinical significance of this variant.

All of Us Research Program, National Institutes of Health
Classification: Likely benign for Breast-ovarian cancer, familial, susceptibility to, 2. Last evaluated: 2023-08-15. Review status: criteria provided, single submitter. Criteria: ACMG Guidelines, 2015. Collection method: clinical testing. Allele origin: germline. Inheritance: Autosomal dominant inheritance. Observed: 2 variant alleles, 2 heterozygotes.
Comment: This study involves interpretation of variants in research participants for the purpose of population health screening. Participant phenotype was not available at the time of variant classification. Additional details can be found in publication PMID: 35346344, PMCID: PMC8962531

Ambry Genetics
Classification: Likely benign for Hereditary cancer-predisposing syndrome. Last evaluated: 2023-08-08. Review status: criteria provided, single submitter. Criteria: Ambry Variant Classification Scheme 2023. Collection method: clinical testing. Allele origin: germline.

Women's Health and Genetics/Laboratory Corporation of America, LabCorp
Classification: Uncertain significance. Last evaluated: 2021-11-15. Review status: criteria provided, single submitter. Criteria: LabCorp Variant Classification Summary - May 2015. Collection method: clinical testing. Allele origin: germline.
Comment: Variant summary: BRCA2 c.10082A>C (p.Gln3361Pro) results in a non-conservative amino acid change in the encoded protein sequence. Four of five in-silico tools predict a benign effect of the variant on protein function. The variant allele was found at a frequency of 3.7e-05 in 273876 control chromosomes in the gnomAD database and in one study surveying a control Han Chinese population (Dong_2021), including 1 homozygote in the gnomAD database. This frequency is not significantly higher than expected for a pathogenic variant in BRCA2 causing Hereditary Breast And Ovarian Cancer Syndrome (3.7e-05 vs 0.00075), allowing no conclusion about variant significance. c.10082A>C has been reported in the literature in one individual affected with Hereditary Breast And Ovarian Cancer Syndrome (Dorling_2021), however this report does not provide unequivocal conclusions about association of the variant with Hereditary Breast And Ovarian Cancer Syndrome. To our knowledge, no experimental evidence demonstrating an impact on protein function has been reported. Four clinical diagnostic laboratories have submitted clinical-significance assessments for this variant to ClinVar after 2014 without evidence for independent evaluation. Three submitters classified the variant as Likely benign, and one as uncertain significance. Based on the evidence outlined above, the variant was classified as uncertain significance.

GeneDx
Classification: Likely benign. Last evaluated: 2018-11-28. Review status: criteria provided, single submitter. Criteria: GeneDx Variant Classification Process June 2021. Collection method: clinical testing. Allele origin: germline. Affected: yes.

Color Diagnostics, LLC DBA Color Health
Classification: Likely benign for Hereditary cancer-predisposing syndrome. Last evaluated: 2016-02-23. Review status: criteria provided, single submitter. Criteria: ACMG Guidelines, 2015. Collection method: clinical testing. Allele origin: germline.

Neuberg Centre For Genomic Medicine, NCGM
Classification: Uncertain significance for Breast-ovarian cancer, familial, susceptibility to, 2. Review status: criteria provided, single submitter. Criteria: ACMG Guidelines, 2015. Collection method: clinical testing. Allele origin: germline. Inheritance: Autosomal dominant inheritance. Affected: yes.
Comment: The missense variant c.10082A>C (p.Gln3361Pro) in BRCA2 gene has been submitted to ClinVar as a Variant of Uncertain Significance. The p.Gln3361Pro variant has been reported in the literature in one individual affected with Hereditary Breast And Ovarian Cancer Syndrome (Dorling et al., 2021), however this report does not provide unequivocal conclusions about association of the variant with Hereditary Breast And Ovarian Cancer Syndrome. To our knowledge, no experimental evidence demonstrating an impact on protein function has been reported. The p.Gln3361Pro variant is reported with the allele frequency (0.003%) in the gnomAD Exomes and is novel (not in any individuals) in 1000 Genomes. The amino acid Gln at position 3361 is changed to a Pro changing protein sequence and it might alter its composition and physico-chemical properties. In silico tools predict the variant to be tolerated. The residue is conserved across species. The amino acid change p.Gln3361Pro in BRCA2 is predicted as conserved by GERP++ and PhyloP across 100 vertebrates. For these reasons, this variant has been classified as a Variant of Uncertain Significance (VUS).

BRCAlab, Lund University
Classification: Uncertain significance for Breast-ovarian cancer, familial, susceptibility to, 2. Last evaluated: 2020-03-02. Review status: no assertion criteria provided. Collection method: clinical testing. Allele origin: germline. Affected: yes. Not counted in ClinVar's aggregate classification.

Department of Pathology and Laboratory Medicine, Sinai Health System
Classification: Uncertain significance for Malignant tumor of breast. Review status: no assertion criteria provided. Collection method: clinical testing. Allele origin: unknown. Affected: yes. Study: The Canadian Open Genetics Repository (COGR). Not counted in ClinVar's aggregate classification.
Comment: The BRCA2 p.Gln3361Pro variant was not identified in the literature nor was it identified in the LOVD 3.0 or UMD-LSDB databases. The variant was identified in dbSNP (ID: rs751250810) as "With Uncertain significance allele" and ClinVar (classified as likely benign by GeneDx; as uncertain significance by Invitae and Ambry Genetics). The variant was identified in control databases in 9 of 245868 chromosomes (1 homozygous) at a frequency of 0.00004 (Genome Aggregation Database Feb 27, 2017). The variant was observed in the South Asian population in 9 of 30774 chromosomes (1 homozygous, freq: 0.0003); it was not observed in the African, Other, Latino, European, Ashkenazi Jewish, East Asian, or Finnish populations. The p.Gln3361 residue is not conserved in mammals and four out of five computational analyses (PolyPhen-2, SIFT, AlignGVGD, BLOSUM, MutationTaster) do not suggest a high likelihood of impact to the protein; however, this information is not predictive enough to rule out pathogenicity. The variant occurs outside of the splicing consensus sequence and in silico or computational prediction software programs (SpliceSiteFinder, MaxEntScan, NNSPLICE, GeneSplicer,) do not predict a difference in splicing. In summary, based on the above information the clinical significance of this variant cannot be determined with certainty at this time. This variant is classified as a variant of uncertain significance.

Literature cited by the submitters: PubMed 32467295 (cited by Quest Diagnostics Nichols Institute San Juan Capistrano and Women's Health and Genetics/Laboratory Corporation of America, LabCorp); PubMed 33471991 (cited by Quest Diagnostics Nichols Institute San Juan Capistrano and Women's Health and Genetics/Laboratory Corporation of America, LabCorp).